The following is an entry in ClinVar:

NM_000264.5(PTCH1):c.740_746+1delinsT

Gene: PTCH1 (patched 1; minus strand). Cytogenetic location: 9q22.32.
Variant type: Indel.
Coding change: c.740_746+1delinsT on transcript NM_000264.5 (MANE Select); coding-DNA position 740 through the canonical splice donor site of the intron after coding-DNA position 746, ACCTCCTG replaced by T.
Molecular consequence: splice donor variant. On other transcripts: frameshift variant (1).
Genome position (GRCh38, 1-based): chr9:95,481,948-95,481,955, CAGGAGGT replaced by A on the plus strand (ACCTCCTG replaced by T on the coding strand, the reverse complement: PTCH1 is on the minus strand). VCF-style: chr9-95481948-CAGGAGGT-A. GRCh37 (hg19) VCF-style: chr9-98244230-CAGGAGGT-A.
Other names: c.542_549delinsT, p.Tyr181fs (NM_001354919.2); c.737_743+1delinsT (NM_001083603.3); c.542_548+1delinsT (NM_001083602.3); c.740_746+1delinsT (NM_001354918.2); c.287_293+1delinsT (NM_001083605.3, NM_001083604.3, NM_001083606.3 and 1 more transcripts); short protein forms Y181fs.
Identifiers: ClinVar variation 2031347 (VCV002031347.2), dbSNP rs2538244312, ClinGen allele CA2580080908.

ClinVar aggregate classification (germline): Pathogenic (1 of 4 stars; one submission).

Conditions:
Gorlin syndrome. Also called: Basal cell nevus syndrome; Nevoid Basal Cell Carcinoma Syndrome. Identifiers: Orphanet 377, MedGen C0004779, MONDO:0007187.

Submission:

Labcorp Genetics (formerly Invitae), Labcorp
Classification: Pathogenic for Gorlin syndrome. Last evaluated: 2020-06-18. Review status: criteria provided, single submitter. Criteria: Invitae Variant Classification Sherloc (09022015). Collection method: clinical testing. Allele origin: germline.
Comment: For these reasons, this variant has been classified as Pathogenic. Loss-of-function variants in PTCH1 are known to be pathogenic (PMID: 16301862, 16419085). Algorithms developed to predict the effect of sequence changes on RNA splicing suggest that this variant may disrupt the consensus splice site, but this prediction has not been confirmed by published transcriptional studies. This variant has been observed in individual(s) with clinical features of Gorlin syndrome (Invitae). This variant is not present in population databases (ExAC no frequency). This variant results in the deletion of part of exon 5 (c.740_746+1delinsT) of the PTCH1 gene. It is expected to disrupt RNA splicing and likely results in an absent or disrupted protein product.

Literature cited by the submitters: PubMed 16301862; PubMed 16419085.